The following is an entry in ClinVar:

NM_007294.4(BRCA1):c.2713C>T (p.Gln905Ter)

Gene: BRCA1 (BRCA1 DNA repair associated; minus strand). Cytogenetic location: 17q21.31.
Variant type: single nucleotide variant.
Coding change: c.2713C>T on transcript NM_007294.4 (MANE Select); coding-DNA position 2713, C replaced by T.
Protein change: p.Gln905Ter; replaces glutamine 905 with a stop codon.
Molecular consequence: nonsense. On other transcripts: intron variant (137).
Genome position (GRCh38, 1-based): chr17:43,092,818, G>A on the plus strand (C>T on the coding strand, the complement: BRCA1 is on the minus strand). VCF-style: chr17-43092818-G-A. GRCh37 (hg19) VCF-style: chr17-41244835-G-A.
Other names: 2832C>T; c.2500C>T, p.Gln834Ter (NM_001407571.1, NM_001407853.1, NM_001407894.1 and 9 more transcripts); c.2713C>T, p.Gln905Ter (NM_001407581.1, NM_001407582.1, NM_001407583.1 and 30 more transcripts); c.2710C>T, p.Gln904Ter (NM_001407587.1, NM_001407590.1, NM_001407591.1 and 22 more transcripts); c.2704C>T, p.Gln902Ter (NM_001407646.1, NM_001407647.1); c.2590C>T, p.Gln864Ter (NM_001407648.1, NM_001407664.1, NM_001407665.1 and 19 more transcripts); c.2587C>T, p.Gln863Ter (NM_001407649.1, NM_001407670.1, NM_001407671.1 and 11 more transcripts); c.2635C>T, p.Gln879Ter (NM_001407653.1, NM_001407654.1, NM_001407655.1 and 4 more transcripts); and 43 more; short protein forms Q905*, Q858*, Q793*, Q794*, Q837*, Q878*, Q609*, Q778*.
Identifiers: ClinVar variation 54655 (VCV000054655.24), dbSNP rs397509002, ClinGen allele CA001787.

ClinVar aggregate classification (germline): Pathogenic. Review status: reviewed by expert panel (3 of 4 stars). 10 submissions from 10 submitters: Pathogenic (1). 9 of the submissions do not count toward it. Last evaluated 2016-04-22.

Conditions:
BRCA1-related disorder. Also called: BRCA1-related condition.
Hereditary cancer-predisposing syndrome. Also called: Tumor predisposition; Neoplastic Syndromes, Hereditary; Hereditary Cancer Syndrome; Hereditary neoplastic syndrome. Identifiers: Orphanet 140162, MedGen C0027672, MeSH D009386, MONDO:0015356.
Hereditary breast ovarian cancer syndrome. Also called: Hereditary breast and ovarian cancer syndrome (HBOC); Hereditary breast and ovarian cancer syndrome; Hereditary breast and ovarian cancer; Hereditary breast and/or ovarian cancer syndrome; Breast and ovarian cancer; BRCA1- and BRCA2-Associated Hereditary Breast and Ovarian Cancer. Identifiers: Orphanet 145, MedGen C0677776, MeSH D061325, MONDO:0003582. Disease mechanism: loss of function.
Breast-ovarian cancer, familial, susceptibility to, 1 (BROVCA1). Also called: OVARIAN CANCER, SUSCEPTIBILITY TO; BRCA1 Hereditary Breast and Ovarian Cancer. Identifiers: Orphanet 145, MedGen C2676676, MONDO:0011450, OMIM 604370. Disease mechanism: loss of function.

Submissions (10):

Evidence-based Network for the Interpretation of Germline Mutant Alleles (ENIGMA)
Classification: Pathogenic for Breast-ovarian cancer, familial, susceptibility to, 1. Last evaluated: 2016-04-22. Review status: reviewed by expert panel. Criteria: ENIGMA BRCA1/2 Classification Criteria (2015). Collection method: curation. Allele origin: germline.
Comment: Variant allele predicted to encode a truncated non-functional protein.

Ambry Genetics
Classification: Pathogenic for Hereditary cancer-predisposing syndrome. Last evaluated: 2024-08-05. Review status: criteria provided, single submitter. Criteria: Ambry Variant Classification Scheme 2023. Collection method: clinical testing. Allele origin: germline. Not counted in ClinVar's aggregate classification.
Comment: The p.Q905* pathogenic mutation (also known as c.2713C>T), located in coding exon 9 of the BRCA1 gene, results from a C to T substitution at nucleotide position 2713. This changes the amino acid from a glutamine to a stop codon within coding exon 9. This variant is considered to be rare based on population cohorts in the Genome Aggregation Database (gnomAD). This alteration is expected to result in loss of function by premature protein truncation or nonsense-mediated mRNA decay. As such, this alteration is interpreted as a disease-causing mutation.

KCCC/NGS Laboratory, Kuwait Cancer Control Center
Classification: Pathogenic for Breast-ovarian cancer, familial, susceptibility to, 1. Last evaluated: 2024-05-27. Review status: criteria provided, single submitter. Criteria: ACMG Guidelines, 2015. Collection method: clinical testing. Allele origin: germline. Inheritance: Autosomal dominant inheritance. Affected: yes. Observed: 1 heterozygote. Not counted in ClinVar's aggregate classification.
Comment: This sequence change creates a premature translational stop signal (p.Gln905*) in the BRCA1 gene. It is expected to result in an absent or disrupted protein product. Loss‐of‐function variants in BRCA1 are known to be pathogenic (PMID: 20104584).This variant is not present in population databases (gnomAD no frequency).This premature translational stop signal has been observed in individual(s) with personal and/or family history of breast cancer (PMID: 21702907). For these reasons, this variant has been classified as Pathogenic.

Blueprint Genetics
Classification: Likely pathogenic for BRCA1-related disorders. Last evaluated: 2023-10-09. Review status: criteria provided, single submitter. Criteria: ACMG Guidelines, 2015. Collection method: clinical testing. Allele origin: germline. Affected: yes. Observed: 2 variant alleles. Not counted in ClinVar's aggregate classification.

Labcorp Genetics (formerly Invitae), Labcorp
Classification: Pathogenic for Hereditary breast ovarian cancer syndrome. Last evaluated: 2023-09-22. Review status: criteria provided, single submitter. Criteria: Invitae Variant Classification Sherloc (09022015). Collection method: clinical testing. Allele origin: germline. Not counted in ClinVar's aggregate classification.
Comment: This sequence change creates a premature translational stop signal (p.Gln905*) in the BRCA1 gene. It is expected to result in an absent or disrupted protein product. Loss-of-function variants in BRCA1 are known to be pathogenic (PMID: 20104584). This variant is not present in population databases (gnomAD no frequency). This premature translational stop signal has been observed in individual(s) with personal and/or family history of breast cancer (PMID: 21702907). ClinVar contains an entry for this variant (Variation ID: 54655). For these reasons, this variant has been classified as Pathogenic.

Baylor Genetics
Classification: Pathogenic for Breast-ovarian cancer, familial, susceptibility to, 1. Last evaluated: 2023-05-05. Review status: criteria provided, single submitter. Criteria: ACMG Guidelines, 2015. Collection method: clinical testing. Allele origin: unknown. Not counted in ClinVar's aggregate classification.

GeneDx
Classification: Pathogenic. Last evaluated: 2019-10-16. Review status: criteria provided, single submitter. Criteria: GeneDx Variant Classification Process June 2021. Collection method: clinical testing. Allele origin: germline. Affected: yes. Not counted in ClinVar's aggregate classification.
Comment: Nonsense variant predicted to result in protein truncation or nonsense mediated decay in a gene for which loss-of-function is a known mechanism of disease; Truncating variants in this gene are considered pathogenic by a well-established clinical consortium and/or database; Not observed in large population cohorts (Lek 2016); Observed in a series of samples undergoing BRCA1/2 analysis (Hondow 2011, Rebbeck 2018); Also known as BRCA1 2832C>T; This variant is associated with the following publications: (PMID: 29446198, 21702907)

ARUP Laboratories, Molecular Genetics and Genomics, ARUP Laboratories
Classification: Pathogenic. Last evaluated: 2017-01-20. Review status: criteria provided, single submitter. Criteria: ARUP Molecular Germline Variant Investigation Process. Collection method: clinical testing. Allele origin: germline. Not counted in ClinVar's aggregate classification.

Consortium of Investigators of Modifiers of BRCA1/2 (CIMBA), c/o University of Cambridge
Classification: Pathogenic for Breast-ovarian cancer, familial, susceptibility to, 1. Last evaluated: 2015-10-02. Review status: criteria provided, single submitter. Criteria: CIMBA Mutation Classification guidelines May 2016. Collection method: clinical testing. Allele origin: germline. Not counted in ClinVar's aggregate classification.

Neuberg Centre For Genomic Medicine, NCGM
Classification: Pathogenic for Breast-ovarian cancer, familial, susceptibility to, 1. Review status: criteria provided, single submitter. Criteria: ACMG Guidelines, 2015. Collection method: clinical testing. Allele origin: germline. Inheritance: Autosomal dominant inheritance. Affected: yes. Not counted in ClinVar's aggregate classification.
Comment: This variant has been reported in the literature in an individual with personal and/or family history of breast cancer (Hondow HL et al). The variant is novel (not in any individuals) in gnomAD Exomes and 1000 Genomes. This variant has been reported to the ClinVar database as Pathogenic. This sequence change creates a premature translational stop signal (p.Gln905*) in the BRCA1 gene. It is expected to result in an absent or disrupted protein product. Loss-of-function variants in BRCA1 are known to be pathogenic (Borg et al). The nucleotide change in BRCA1 is predicted as conserved by GERP++ and PhyloP across 100 vertebrates. For these reasons, this variant has been classified as Pathogenic.

Literature cited by the submitters: PubMed 20104584 (cited by Labcorp Genetics (formerly Invitae), Labcorp); PubMed 21702907 (cited by Labcorp Genetics (formerly Invitae), Labcorp).